The following is an entry in ClinVar:

NM_001142800.2(EYS):c.4180A>G (p.Ile1394Val)

Gene: EYS (EGF-like photoreceptor maintenance factor; minus strand). Cytogenetic location: 6q12.
Variant type: single nucleotide variant.
Coding change: c.4180A>G on transcript NM_001142800.2 (MANE Select); coding-DNA position 4180, A replaced by G.
Protein change: p.Ile1394Val; replaces isoleucine 1394 with valine.
Molecular consequence: missense variant.
Genome position (GRCh38, 1-based): chr6:64,591,687, T>C on the plus strand (A>G on the coding strand, the complement: EYS is on the minus strand). VCF-style: chr6-64591687-T-C. GRCh37 (hg19) VCF-style: chr6-65301580-T-C.
Other names: c.4180A>G, p.Ile1394Val (NM_001292009.2); short protein forms I1394V.
Identifiers: ClinVar variation 2133520 (VCV002133520.4), dbSNP rs1766415769, ClinGen allele CA364783878.

ClinVar aggregate classification (germline): Uncertain significance (1 of 4 stars; one submission).

Submission:

Labcorp Genetics (formerly Invitae), Labcorp
Classification: Uncertain significance. Last evaluated: 2023-08-04. Review status: criteria provided, single submitter. Criteria: Invitae Variant Classification Sherloc (09022015). Collection method: clinical testing. Allele origin: germline.
Comment: ClinVar contains an entry for this variant (Variation ID: 2133520). This sequence change replaces isoleucine, which is neutral and non-polar, with valine, which is neutral and non-polar, at codon 1394 of the EYS protein (p.Ile1394Val). This variant is not present in population databases (gnomAD no frequency). This variant has not been reported in the literature in individuals affected with EYS-related conditions. Algorithms developed to predict the effect of missense changes on protein structure and function output the following: SIFT: "Not Available"; PolyPhen-2: "Possibly Damaging"; Align-GVGD: "Not Available". The valine amino acid residue is found in multiple mammalian species, which suggests that this missense change does not adversely affect protein function. In summary, the available evidence is currently insufficient to determine the role of this variant in disease. Therefore, it has been classified as a Variant of Uncertain Significance.